The following is an entry in ClinVar:

ClinVar aggregate classification (germline): Conflicting classifications of pathogenicity. Review status: criteria provided, conflicting classifications (1 of 4 stars). 3 submissions from 3 submitters: Uncertain significance (2); Likely benign (1). Last evaluated 2024-12-01.

Conditions:
Inborn genetic diseases. Identifiers: MedGen C0950123, MeSH D030342.
Fanconi anemia (FA). Also called: Fanconi's anemia. Identifiers: Orphanet 84, MedGen C0015625, MeSH D005199, MONDO:0019391.
Fanconi anemia complementation group G. Also called: Fanconi anemia group G; FANCG-Related Fanconi Anemia. Identifiers: Orphanet 84, MedGen C3469527, MONDO:0013565, OMIM 614082.

Allele frequency attached by ClinVar (database versions not stated): gnomAD exomes 0.00001; ExAC 0.00002; gnomAD 0.00003; TOPMed 0.00003; ESP Exome Variant Server 0.00008.
gnomAD v4.1: 17 of 1,614,024 alleles (0.0011%); highest among the groups gnomAD compares: African/African-American, 0.008%; no homozygotes.

Submissions (3):

Ambry Genetics
Classification: Likely benign for Inborn genetic diseases. Last evaluated: 2024-12-01. Review status: criteria provided, single submitter. Criteria: Ambry Variant Classification Scheme 2023. Collection method: clinical testing. Allele origin: germline.

Labcorp Genetics (formerly Invitae), Labcorp
Classification: Uncertain significance for Fanconi anemia. Last evaluated: 2024-10-20. Review status: criteria provided, single submitter. Criteria: Invitae Variant Classification Sherloc (09022015). Collection method: clinical testing. Allele origin: germline.
Comment: This sequence change replaces alanine, which is neutral and non-polar, with valine, which is neutral and non-polar, at codon 507 of the FANCG protein (p.Ala507Val). This variant is present in population databases (rs138395184, gnomAD 0.02%). This variant has not been reported in the literature in individuals affected with FANCG-related conditions. ClinVar contains an entry for this variant (Variation ID: 2039607). Invitae Evidence Modeling of protein sequence and biophysical properties (such as structural, functional, and spatial information, amino acid conservation, physicochemical variation, residue mobility, and thermodynamic stability) indicates that this missense variant is not expected to disrupt FANCG protein function with a negative predictive value of 80%. In summary, the available evidence is currently insufficient to determine the role of this variant in disease. Therefore, it has been classified as a Variant of Uncertain Significance.

Fulgent Genetics
Classification: Uncertain significance for Fanconi anemia complementation group G. Last evaluated: 2024-03-09. Review status: criteria provided, single submitter. Criteria: ACMG Guidelines, 2015. Collection method: clinical testing. Allele origin: germline.

NM_004629.2(FANCG):c.1520C>T (p.Ala507Val)

Gene: FANCG (FA complementation group G; minus strand). Cytogenetic location: 9p13.3.
Variant type: single nucleotide variant.
Coding change: c.1520C>T on transcript NM_004629.2 (MANE Select); coding-DNA position 1520, C replaced by T.
Protein change: p.Ala507Val; replaces alanine 507 with valine.
Molecular consequence: missense variant.
Genome position (GRCh38, 1-based): chr9:35,075,043, G>A on the plus strand (C>T on the coding strand, the complement: FANCG is on the minus strand). VCF-style: chr9-35075043-G-A. GRCh37 (hg19) VCF-style: chr9-35075040-G-A.
Other names: short protein forms A507V.
Identifiers: ClinVar variation 2039607 (VCV002039607.5), dbSNP rs138395184, ClinGen allele CA5039707.